The following is an entry in ClinVar:

ClinVar aggregate classification (germline): Conflicting classifications of pathogenicity. Review status: criteria provided, conflicting classifications (1 of 4 stars). 4 submissions from 4 submitters: Uncertain significance (3); Likely benign (1). Last evaluated 2025-11-08.

Conditions:
Hereditary spastic paraplegia 11. Also called: Spastic Paraplegia 11; SPASTIC PARAPLEGIA, AUTOSOMAL RECESSIVE, COMPLICATED, WITH THIN CORPUS CALLOSUM; SPASTIC PARAPLEGIA, AUTOSOMAL RECESSIVE, WITH MENTAL IMPAIRMENT AND THIN CORPUS CALLOSUM; Spastic paraplegia, mental retardation and thin corpus callosum; Nakamura Osame syndrome; Autosomal recessive hereditary spastic paraplegia, mental impairment, and thin corpus callosum. Identifiers: Orphanet 2822, MedGen C1858479, MONDO:0011445, OMIM 604360.
Inborn genetic diseases. Identifiers: MedGen C0950123, MeSH D030342.

Allele frequency attached by ClinVar (database versions not stated): gnomAD exomes 0.00001 and 0.00002; ExAC 0.00002; gnomAD 0.00013 and 0.00016; ESP Exome Variant Server 0.00015; TOPMed 0.00017.
gnomAD v4.1: 35 of 1,614,068 alleles (0.0022%); highest among the groups gnomAD compares: African/African-American, 0.041%; no homozygotes.

Submissions (4):

Mayo Clinic Laboratories, Mayo Clinic
Classification: Uncertain significance. Last evaluated: 2025-11-08. Review status: criteria provided, single submitter. Criteria: ACMG Guidelines, 2015. Collection method: clinical testing. Allele origin: germline. Observed: 1 variant allele.
Comment: PM2_supporting

Labcorp Genetics (formerly Invitae), Labcorp
Classification: Likely benign for Hereditary spastic paraplegia 11. Last evaluated: 2025-04-22. Review status: criteria provided, single submitter. Criteria: Invitae Variant Classification Sherloc (09022015). Collection method: clinical testing. Allele origin: germline.

GeneDx
Classification: Uncertain significance. Last evaluated: 2022-10-25. Review status: criteria provided, single submitter. Criteria: GeneDx Variant Classification Process June 2021. Collection method: clinical testing. Allele origin: germline. Affected: yes.
Comment: In silico analysis supports that this missense variant does not alter protein structure/function; Has not been previously published as pathogenic or benign to our knowledge

Ambry Genetics
Classification: Uncertain significance for Inborn genetic diseases. Last evaluated: 2019-09-20. Review status: criteria provided, single submitter. Criteria: Ambry Variant Classification Scheme 2023. Collection method: clinical testing. Allele origin: germline.
Comment: The p.Q478R variant (also known as c.1433A>G), located in coding exon 6 of the SPG11 gene, results from an A to G substitution at nucleotide position 1433. The glutamine at codon 478 is replaced by arginine, an amino acid with highly similar properties. This amino acid position is well conserved in available vertebrate species; however, arginine is the reference amino acid in other vertebrate species. In addition, the in silico prediction for this alteration is inconclusive. Since supporting evidence is limited at this time, the clinical significance of this alteration remains unclear.

NM_025137.4(SPG11):c.1433A>G (p.Gln478Arg)

Gene: SPG11 (SPG11 vesicle trafficking associated, spatacsin; minus strand). Cytogenetic location: 15q21.1.
Variant type: single nucleotide variant.
Coding change: c.1433A>G on transcript NM_025137.4 (MANE Select); coding-DNA position 1433, A replaced by G.
Protein change: p.Gln478Arg; replaces glutamine 478 with arginine.
Molecular consequence: missense variant.
Genome position (GRCh38, 1-based): chr15:44,651,514, T>C on the plus strand (A>G on the coding strand, the complement: SPG11 is on the minus strand). VCF-style: chr15-44651514-T-C. GRCh37 (hg19) VCF-style: chr15-44943712-T-C.
Other names: p.Gln478Arg; c.1433A>G, p.Gln478Arg (NM_001160227.2); short protein forms Q478R.
Identifiers: ClinVar variation 646890 (VCV000646890.12), dbSNP rs142428867, ClinGen allele CA7535561.